The following is an entry in ClinVar:

ClinVar aggregate classification (germline): Uncertain significance. Review status: criteria provided, single submitter (1 of 4 stars). 2 submissions from 2 submitters: Uncertain significance (1). 1 of the submissions does not count toward it. Last evaluated 2025-04-01.

Conditions:
ECE1-related disorder. Also called: ECE1-related condition.
Hirschsprung disease, cardiac defects, and autonomic dysfunction (HCAD). Identifiers: MedGen C3151237, MONDO:0013473, OMIM 613870.

Allele frequency attached by ClinVar (database versions not stated): ExAC 0.00021; gnomAD exomes 0.00024; gnomAD 0.00036 and 0.00041; TOPMed 0.00070.
gnomAD v4.1: 584 of 1,614,104 alleles (0.036%); highest among the groups gnomAD compares: Admixed American, 0.082%; no homozygotes.

Submissions (2):

PreventionGenetics, part of Exact Sciences
Classification: Uncertain significance for ECE1-related condition. Last evaluated: 2025-04-01. Review status: criteria provided, single submitter. Criteria: ACMG Guidelines, 2015. Collection method: clinical testing. Allele origin: germline.
Comment: The ECE1 c.2260C>T variant is predicted to result in the amino acid substitution p.Arg754Cys. This variant has been reported in the heterozygous state in a patient with Hirschsprung disease, cardiac defects, and autonomic dysfunction (described as R742C, Hofstra et al 1999. PubMed ID: 9915973). This variant is reported in 0.039% of alleles in individuals of European (Non-Finnish) descent in gnomAD, which includes 64 heterozygotes. At this time, the clinical significance of this variant is uncertain due to the absence of conclusive functional and genetic evidence.

OMIM
Classification: Pathogenic for HIRSCHSPRUNG DISEASE, CARDIAC DEFECTS, AND AUTONOMIC DYSFUNCTION (1 patient). Last evaluated: 1999-01-01. Review status: no assertion criteria provided. Collection method: literature only. Allele origin: germline. Not counted in ClinVar's aggregate classification.

Literature cited by the submitters: PubMed 9915973 (cited by OMIM); PubMed 8530372 (cited by OMIM).

NM_001397.3(ECE1):c.2260C>T (p.Arg754Cys)

Gene: ECE1 (endothelin converting enzyme 1; minus strand). Cytogenetic location: 1p36.12.
Variant type: single nucleotide variant.
Coding change: c.2260C>T on transcript NM_001397.3 (MANE Select); coding-DNA position 2260, C replaced by T.
Protein change: p.Arg754Cys; replaces arginine 754 with cysteine.
Molecular consequence: missense variant.
Genome position (GRCh38, 1-based): chr1:21,220,008, G>A on the plus strand (C>T on the coding strand, the complement: ECE1 is on the minus strand). VCF-style: chr1-21220008-G-A. GRCh37 (hg19) VCF-style: chr1-21546501-G-A.
Other names: c.2260C>T (NM_001397.2); c.2224C>T, p.Arg742Cys (NM_001113347.2); c.2212C>T, p.Arg738Cys (NM_001113348.2); c.2251C>T, p.Arg751Cys (NM_001113349.2); short protein forms R742C, R738C, R751C, R754C.
Identifiers: ClinVar variation 9133 (VCV000009133.2), dbSNP rs3026906, ClinGen allele CA120130.